The following is an entry in ClinVar:

NM_006129.5(BMP1):c.2546G>A (p.Arg849Gln)

Gene: BMP1 (bone morphogenetic protein 1; plus strand). Cytogenetic location: 8p21.3.
Variant type: single nucleotide variant.
Coding change: c.2546G>A on transcript NM_006129.5 (MANE Select); coding-DNA position 2546, G replaced by A.
Protein change: p.Arg849Gln; replaces arginine 849 with glutamine.
Molecular consequence: missense variant. On other transcripts: non-coding transcript variant (1).
Genome position (GRCh38, 1-based): chr8:22,207,487, G>A. VCF-style: chr8-22207487-G-A. GRCh37 (hg19) VCF-style: chr8-22065000-G-A.
Other names: short protein forms R849Q.
Identifiers: ClinVar variation 2428279 (VCV002428279.3), dbSNP rs201664686, ClinGen allele CA4665287.

ClinVar aggregate classification (germline): Uncertain significance (1 of 4 stars; one submission).

Allele frequency attached by ClinVar (database versions not stated): gnomAD 0.00007; TOPMed 0.00001; gnomAD exomes 0.00003; ExAC 0.00005.
gnomAD v4.1: 57 of 1,613,570 alleles (0.0035%); highest among the groups gnomAD compares: South Asian, 0.0055%; no homozygotes.

Submission:

Labcorp Genetics (formerly Invitae), Labcorp
Classification: Uncertain significance. Last evaluated: 2022-06-01. Review status: criteria provided, single submitter. Criteria: Invitae Variant Classification Sherloc (09022015). Collection method: clinical testing. Allele origin: germline.
Comment: This sequence change replaces arginine, which is basic and polar, with glutamine, which is neutral and polar, at codon 849 of the BMP1 protein (p.Arg849Gln). This variant is present in population databases (rs201664686, gnomAD 0.06%). This variant has not been reported in the literature in individuals affected with BMP1-related conditions. Algorithms developed to predict the effect of missense changes on protein structure and function (SIFT, PolyPhen-2, Align-GVGD) all suggest that this variant is likely to be disruptive. In summary, the available evidence is currently insufficient to determine the role of this variant in disease. Therefore, it has been classified as a Variant of Uncertain Significance.